The following is an entry in ClinVar:

NM_006031.6(PCNT):c.8488T>C (p.Cys2830Arg)

Gene: PCNT (pericentrin; plus strand). Cytogenetic location: 21q22.3.
Variant type: single nucleotide variant.
Coding change: c.8488T>C on transcript NM_006031.6 (MANE Select); coding-DNA position 8488, T replaced by C.
Protein change: p.Cys2830Arg; replaces cysteine 2830 with arginine.
Molecular consequence: missense variant.
Genome position (GRCh38, 1-based): chr21:46,431,952, T>C. VCF-style: chr21-46431952-T-C. GRCh37 (hg19) VCF-style: chr21-47851866-T-C.
Other names: c.8134T>C, p.Cys2712Arg (NM_001315529.2); short protein forms C2712R, C2830R.
Identifiers: ClinVar variation 5001231 (VCV005001231.1).

ClinVar aggregate classification (germline): Uncertain significance (1 of 4 stars; one submission).

Conditions:
PCNT-related disorder. Also called: PCNT-related condition.

gnomAD v4.1: 2 of 1,613,966 alleles (0.00012%); highest among the groups gnomAD compares: Non-Finnish European, 0.00017%; no homozygotes.

Submission:

PreventionGenetics, part of Exact Sciences
Classification: Uncertain significance for PCNT-related condition. Last evaluated: 2026-06-01. Review status: criteria provided, single submitter. Criteria: ACMG Guidelines, 2015. Collection method: clinical testing. Allele origin: germline.
Comment: The PCNT c.8488T>C variant is predicted to result in the amino acid substitution p.Cys2830Arg. To our knowledge, this variant has not been reported in the literature or in a large population database (gnomAD), indicating this variant is rare. At this time, the clinical significance of this variant is uncertain due to the absence of conclusive functional and genetic evidence.